The following is an entry in ClinVar:

ClinVar aggregate classification (germline): Pathogenic. Review status: criteria provided, single submitter (1 of 4 stars). 2 submissions from 2 submitters: Pathogenic (1). 1 of the submissions does not count toward it. Last evaluated 2025-11-05.

Conditions:
Papillon-Lefèvre syndrome (PALS). Also called: KERATOSIS PALMOPLANTARIS WITH PERIODONTOPATHIA; Papillon-Lefevre Disease. Identifiers: Orphanet 678, MedGen C0030360, MONDO:0009490, OMIM 245000.
Haim-Munk syndrome (HMS). Also called: COCHIN JEWISH DISORDER; KERATOSIS PALMOPLANTARIS WITH PERIODONTOPATHIA AND ONYCHOGRYPOSIS. Identifiers: Orphanet 2342, MedGen C1855627, MONDO:0009491, OMIM 245010.
Periodontitis, aggressive. Identifiers: MedGen C0031106, MONDO:0980757.

Allele frequency attached by ClinVar (database versions not stated): TOPMed below 0.00001; ExAC 0.00001.

Submissions (2):

Labcorp Genetics (formerly Invitae), Labcorp
Classification: Pathogenic for Haim-Munk syndrome; Periodontitis, aggressive; Papillon-Lefèvre syndrome. Last evaluated: 2025-11-05. Review status: criteria provided, single submitter. Criteria: Invitae Variant Classification Sherloc (09022015). Collection method: clinical testing. Allele origin: germline.
Comment: This sequence change creates a premature translational stop signal (p.Gly350Valfs*10) in the CTSC gene. While this is not anticipated to result in nonsense mediated decay, it is expected to disrupt the last 114 amino acid(s) of the CTSC protein. This variant is present in population databases (rs587776655, gnomAD 0.0009%). This premature translational stop signal has been observed in individual(s) with Papillon-Lefèvre syndrome (PMID: 10593994). This variant is also known as 2692delA. ClinVar contains an entry for this variant (Variation ID: 7293). This variant disrupts a region of the CTSC protein in which other variant(s) (p.Trp429*) have been determined to be pathogenic (PMID: 10593994, 28242153, 29410039). This suggests that this is a clinically significant region of the protein, and that variants that disrupt it are likely to be disease-causing. For these reasons, this variant has been classified as Pathogenic.

OMIM
Classification: Pathogenic for PAPILLON-LEFEVRE SYNDROME. Last evaluated: 1999-12-01. Review status: no assertion criteria provided. Collection method: literature only. Allele origin: germline. Not counted in ClinVar's aggregate classification.

Literature cited by the submitters: PubMed 10593994 (cited by Labcorp Genetics (formerly Invitae), Labcorp and OMIM); PubMed 28242153 (cited by Labcorp Genetics (formerly Invitae), Labcorp); PubMed 29410039 (cited by Labcorp Genetics (formerly Invitae), Labcorp).

NM_001814.6(CTSC):c.1047del (p.Gly350fs)

Gene: CTSC (cathepsin C; minus strand). Cytogenetic location: 11q14.2.
Variant type: Deletion.
Coding change: c.1047del on transcript NM_001814.6 (MANE Select); coding-DNA position 1047, one base deleted (A; older notation c.1047delA).
Protein change: p.Gly350fs; shifts the reading frame from glycine 350.
Molecular consequence: frameshift variant.
Genome position (GRCh38, 1-based): chr11:88,294,351, T deleted on the plus strand (A on the coding strand, the reverse complement: CTSC is on the minus strand). VCF-style (leftmost placement, unchanged base first): chr11-88294350-CT-C. GRCh37 (hg19) VCF-style: chr11-88027518-CT-C.
Other names: c.1047del (LRG_50t1); short protein forms G350fs.
Identifiers: ClinVar variation 7293 (VCV000007293.7), dbSNP rs587776655, ClinGen allele CA118682.